The following is an entry in ClinVar:

ClinVar aggregate classification (germline): Uncertain significance (1 of 4 stars; one submission).

Submission:

Labcorp Genetics (formerly Invitae), Labcorp
Classification: Uncertain significance. Last evaluated: 2023-06-15. Review status: criteria provided, single submitter. Criteria: Invitae Variant Classification Sherloc (09022015). Collection method: clinical testing. Allele origin: germline.
Comment: In summary, the available evidence is currently insufficient to determine the role of this variant in disease. Therefore, it has been classified as a Variant of Uncertain Significance. An algorithm developed to predict the effect of missense changes on protein structure and function (PolyPhen-2) suggests that this variant is likely to be disruptive. ClinVar contains an entry for this variant (Variation ID: 2101316). This variant has not been reported in the literature in individuals affected with OAS1-related conditions. This variant is not present in population databases (gnomAD no frequency). This sequence change replaces phenylalanine, which is neutral and non-polar, with leucine, which is neutral and non-polar, at codon 88 of the OAS1 protein (p.Phe88Leu).

NM_016816.4(OAS1):c.264T>A (p.Phe88Leu)

Gene: OAS1 (2'-5'-oligoadenylate synthetase 1; plus strand). Cytogenetic location: 12q24.13.
Variant type: single nucleotide variant.
Coding change: c.264T>A on transcript NM_016816.4 (MANE Select); coding-DNA position 264, T replaced by A.
Protein change: p.Phe88Leu; replaces phenylalanine 88 with leucine.
Molecular consequence: missense variant.
Genome position (GRCh38, 1-based): chr12:112,908,619, T>A. VCF-style: chr12-112908619-T-A. GRCh37 (hg19) VCF-style: chr12-113346424-T-A.
Other names: c.264T>A, p.Phe88Leu (NM_001032409.3, NM_001320151.2, NM_001406020.1 and 7 more transcripts); short protein forms F88L.
Identifiers: ClinVar variation 2101316 (VCV002101316.4), dbSNP rs1292060463, ClinGen allele CA386800207.
Genomic context (GRCh38, chr12:112,908,619, plus strand): 5'-CACCCTCAGAGGCCGATCTGACGCTGACCTGGTTGTCTTCCTCAGTCCTCTCACCACTTT[T>A]CAGGATCAGTTAAATCGCCGGGGAGAGTTCATCCAGGAAATTAGGAGACAGCTGGAAGCC-3'
Protein context (NP_058132.2, residues 78-98): LVVFLSPLTT[Phe88Leu]QDQLNRRGEF